The following is an entry in ClinVar:

NM_152564.5(VPS13B):c.9742+3A>G

Gene: VPS13B (vacuolar protein sorting 13 homolog B; plus strand). Cytogenetic location: 8q22.2.
Variant type: single nucleotide variant.
Coding change: c.9742+3A>G on transcript NM_152564.5 (MANE Select); 3 bases into the intron after coding-DNA position 9742, A replaced by G.
Molecular consequence: intron variant.
Genome position (GRCh38, 1-based): chr8:99,835,327, A>G. VCF-style: chr8-99835327-A-G. GRCh37 (hg19) VCF-style: chr8-100847555-A-G.
Other names: c.9817+3A>G (NM_017890.5); c.9742+3A>G (NM_152564.4).
Identifiers: ClinVar variation 1040830 (VCV001040830.8), dbSNP rs375183964, ClinGen allele CA4824771.

ClinVar aggregate classification (germline): Uncertain significance. Review status: criteria provided, single submitter (1 of 4 stars). 3 submissions from 3 submitters: Uncertain significance (1). 2 of the submissions do not count toward it. Last evaluated 2022-03-10.

Conditions:
Cohen syndrome (COH1). Also called: PEPPER SYNDROME; Cutis verticis gyrata, retinitis pigmentosa, and sensorineural deafness. Identifiers: Orphanet 193, MedGen C0265223, MONDO:0008999, OMIM 216550.
VPS13B-related disorder. Also called: VPS13B-related condition.

Allele frequency attached by ClinVar (database versions not stated): gnomAD exomes below 0.00001; ExAC 0.00001; gnomAD 0.00001; TOPMed 0.00001; ESP Exome Variant Server 0.00008.
gnomAD v4.1: 3 of 1,609,426 alleles (0.00019%); highest among the groups gnomAD compares: African/African-American, 0.0027%; no homozygotes.

Submissions (3):

Labcorp Genetics (formerly Invitae), Labcorp
Classification: Uncertain significance for Cohen syndrome. Last evaluated: 2022-03-10. Review status: criteria provided, single submitter. Criteria: Invitae Variant Classification Sherloc (09022015). Collection method: clinical testing. Allele origin: germline.
Comment: This sequence change falls in intron 53 of the VPS13B gene. It does not directly change the encoded amino acid sequence of the VPS13B protein. It affects a nucleotide within the consensus splice site. This variant is present in population databases (rs375183964, gnomAD 0.007%). This variant has not been reported in the literature in individuals affected with VPS13B-related conditions. ClinVar contains an entry for this variant (Variation ID: 1040830). Variants that disrupt the consensus splice site are a relatively common cause of aberrant splicing (PMID: 17576681, 9536098). Algorithms developed to predict the effect of sequence changes on RNA splicing suggest that this variant is not likely to affect RNA splicing. In summary, the available evidence is currently insufficient to determine the role of this variant in disease. Therefore, it has been classified as a Variant of Uncertain Significance.

PreventionGenetics, part of Exact Sciences
Classification: Likely benign for VPS13B-related condition. Last evaluated: 2024-04-10. Review status: no assertion criteria provided. Collection method: clinical testing. Allele origin: germline. Not counted in ClinVar's aggregate classification.
Comment: This variant is classified as likely benign based on ACMG/AMP sequence variant interpretation guidelines (Richards et al. 2015 PMID: 25741868, with internal and published modifications).

Natera, Inc.
Classification: Uncertain significance for Cohen syndrome. Last evaluated: 2020-09-21. Review status: no assertion criteria provided. Collection method: clinical testing. Allele origin: germline. Not counted in ClinVar's aggregate classification.

Literature cited by the submitters: PubMed 17576681 (cited by Labcorp Genetics (formerly Invitae), Labcorp); PubMed 9536098 (cited by Labcorp Genetics (formerly Invitae), Labcorp).